The following is an entry in ClinVar:

NM_000038.6(APC):c.5527C>A (p.Pro1843Thr)

Gene: APC (APC regulator of Wnt signaling pathway; plus strand). Cytogenetic location: 5q22.2.
Variant type: single nucleotide variant.
Coding change: c.5527C>A on transcript NM_000038.6 (MANE Select); coding-DNA position 5527, C replaced by A.
Protein change: p.Pro1843Thr; replaces proline 1843 with threonine.
Molecular consequence: missense variant.
Genome position (GRCh38, 1-based): chr5:112,841,121, C>A. VCF-style: chr5-112841121-C-A. GRCh37 (hg19) VCF-style: chr5-112176818-C-A.
Other names: c.5527C>A, p.Pro1843Thr (NM_001127510.3, NM_001354895.2); c.5473C>A, p.Pro1825Thr (NM_001127511.3); c.5581C>A, p.Pro1861Thr (NM_001354896.2); c.5557C>A, p.Pro1853Thr (NM_001354897.2); c.5452C>A, p.Pro1818Thr (NM_001354898.2); c.5443C>A, p.Pro1815Thr (NM_001354899.2); c.5404C>A, p.Pro1802Thr (NM_001354900.2); c.5350C>A, p.Pro1784Thr (NM_001354901.2); and 5 more; short protein forms P1825T, P1843T, P1717T, P1815T, P1818T, P1683T, P1742T, P1802T.
Identifiers: ClinVar variation 470012 (VCV000470012.22), dbSNP rs1461006300, ClinGen allele CA16033423.
Genomic context (GRCh38, chr5:112,841,121, plus strand): 5'-TTCAATGATAAGCTCCCAAATAATGAAGATAGAGTCAGAGGAAGTTTTGCTTTTGATTCA[C>A]CTCATCATTACACGCCTATTGAAGGAACTCCTTACTGTTTTTCACGAAATGATTCTTTGA-3'
Protein context (NP_000029.2, residues 1833-1853): RVRGSFAFDS[Pro1843Thr]HHYTPIEGTP

ClinVar aggregate classification (germline): Conflicting classifications of pathogenicity. Review status: criteria provided, conflicting classifications (1 of 4 stars). 6 submissions from 6 submitters: Uncertain significance (5); Likely benign (1). Last evaluated 2025-11-19.

Conditions:
Hereditary cancer-predisposing syndrome. Also called: Hereditary neoplastic syndrome; Neoplastic Syndromes, Hereditary; Tumor predisposition; Hereditary Cancer Syndrome. Identifiers: Orphanet 140162, MedGen C0027672, MeSH D009386, MONDO:0015356.
Familial adenomatous polyposis 1 (FAP1). Also called: POLYPOSIS, ADENOMATOUS INTESTINAL; FAMILIAL ADENOMATOUS POLYPOSIS 1, ATTENUATED. Identifiers: MedGen C2713442, MONDO:0021056, OMIM 175100. Disease mechanism: loss of function.
Classic or attenuated familial adenomatous polyposis. Identifiers: MedGen CN372698, MONDO:0021057.

gnomAD v4.1: 12 of 1,612,718 alleles (0.00074%); highest among the groups gnomAD compares: Non-Finnish European, 0.001%; no homozygotes.

Submissions (6):

Color Diagnostics, LLC DBA Color Health
Classification: Uncertain significance for Hereditary cancer-predisposing syndrome. Last evaluated: 2025-11-19. Review status: criteria provided, single submitter. Criteria: ACMG Guidelines, 2015. Collection method: clinical testing. Allele origin: germline.
Comment: This missense variant replaces proline with threonine at codon 1843 of the APC protein. This is a missense variant not located in the first 15-amino acid repeat of the beta--catenin binding domain (codon 1021-1035) (PMID: 37800450). To our knowledge, functional studies have not been reported for this variant. This variant has not been reported in individuals affected with APC-related disorders in the literature. This variant has been identified in 12/1612718 chromosomes in the general population by the Genome Aggregation Database (gnomAD). The available evidence is insufficient to determine the role of this variant in disease conclusively. Therefore, this variant is classified as a Variant of Uncertain Significance.

Labcorp Genetics (formerly Invitae), Labcorp
Classification: Uncertain significance for Familial adenomatous polyposis 1. Last evaluated: 2025-09-24. Review status: criteria provided, single submitter. Criteria: Invitae Variant Classification Sherloc (09022015). Collection method: clinical testing. Allele origin: germline.
Comment: This sequence change replaces proline, which is neutral and non-polar, with threonine, which is neutral and polar, at codon 1843 of the APC protein (p.Pro1843Thr). This variant is present in population databases (no rsID available, gnomAD 0.0009%). This variant has not been reported in the literature in individuals affected with APC-related conditions. ClinVar contains an entry for this variant (Variation ID: 470012). Invitae Evidence Modeling of protein sequence and biophysical properties (such as structural, functional, and spatial information, amino acid conservation, physicochemical variation, residue mobility, and thermodynamic stability) indicates that this missense variant is not expected to disrupt APC protein function with a negative predictive value of 95%. In summary, the available evidence is currently insufficient to determine the role of this variant in disease. Therefore, it has been classified as a Variant of Uncertain Significance.

All of Us Research Program, National Institutes of Health
Classification: Uncertain significance for Classic or attenuated familial adenomatous polyposis. Last evaluated: 2024-05-30. Review status: criteria provided, single submitter. Criteria: ACMG Guidelines, 2015. Collection method: clinical testing. Allele origin: germline. Inheritance: Autosomal dominant inheritance. Observed: 4 variant alleles, 4 heterozygotes.
Comment: This missense variant replaces proline with threonine at codon 1843 of the APC protein. Computational prediction suggests that this variant may not impact protein structure and function (internally defined REVEL score threshold <= 0.5, PMID: 27666373). To our knowledge, functional studies have not been reported for this variant. This variant has not been reported in individuals affected with APC-related disorders in the literature. This variant has been identified in 1/251038 chromosomes in the general population by the Genome Aggregation Database (gnomAD). The available evidence is insufficient to determine the role of this variant in disease conclusively. Therefore, this variant is classified as a Variant of Uncertain Significance.

This study involves interpretation of variants in research participants for the purpose of population health screening. Participant phenotype was not available at the time of variant classification. Additional details can be found in publication PMID: 35346344, PMCID: PMC8962531

Ambry Genetics
Classification: Likely benign for Hereditary cancer-predisposing syndrome. Last evaluated: 2024-03-14. Review status: criteria provided, single submitter. Criteria: Ambry Variant Classification Scheme 2023. Collection method: clinical testing. Allele origin: germline.

GeneDx
Classification: Uncertain significance. Last evaluated: 2023-07-05. Review status: criteria provided, single submitter. Criteria: GeneDx Variant Classification Process June 2021. Collection method: clinical testing. Allele origin: germline. Affected: yes.
Comment: Not observed at significant frequency in large population cohorts (gnomAD); In silico analysis supports that this missense variant does not alter protein structure/function; Observed in an individual with renal cancer (Yehia et al., 2018); This variant is associated with the following publications: (PMID: 18199528, 27397505, 29684080)

Women's Health and Genetics/Laboratory Corporation of America, LabCorp
Classification: Uncertain significance. Last evaluated: 2021-12-22. Review status: criteria provided, single submitter. Criteria: LabCorp Variant Classification Summary - May 2015. Collection method: clinical testing. Allele origin: germline.

Literature cited by the submitters: PubMed 37800450 (cited by Color Diagnostics, LLC DBA Color Health); PubMed 29684080 (cited by Ambry Genetics).